The following is an entry in ClinVar:

NM_006206.6(PDGFRA):c.2373T>A (p.Thr791=)

Gene: PDGFRA (platelet derived growth factor receptor alpha; plus strand). Cytogenetic location: 4q12.
Variant type: single nucleotide variant.
Coding change: c.2373T>A on transcript NM_006206.6 (MANE Select); coding-DNA position 2373, T replaced by A.
Protein change: p.Thr791=; no amino-acid change (threonine 791 retained).
Molecular consequence: synonymous variant.
Genome position (GRCh38, 1-based): chr4:54,285,420, T>A. VCF-style: chr4-54285420-T-A. GRCh37 (hg19) VCF-style: chr4-55151587-T-A.
Other names: c.2448T>A, p.Thr816= (NM_001347828.2); c.2373T>A, p.Thr791= (NM_001347829.2); c.2412T>A, p.Thr804= (NM_001347830.2).
Identifiers: ClinVar variation 1103886 (VCV001103886.10), dbSNP rs2110335697, ClinGen allele CA439287660.
Genomic context (GRCh38, chr4:54,285,420, plus strand): 5'-CTTTTCTGCAGACTCAGAAGTCAAAAACCTCCTTTCAGATGATAACTCAGAAGGCCTTAC[T>A]TTATTGGATTTGTTGAGCTTCACCTATCAAGTTGCCCGAGGAATGGAGTTTTTGGCTTCA-3'
Protein context (NP_006197.1, residues 781-801): LLSDDNSEGL[Thr791=]LLDLLSFTYQ

ClinVar aggregate classification (germline): Benign/Likely benign. Review status: criteria provided, multiple submitters, no conflicts (2 of 4 stars). 2 submissions from 2 submitters: Benign (1); Likely benign (1). Last evaluated 2026-06-17.

Conditions:
Polyps, multiple and recurrent inflammatory fibroid, gastrointestinal. Identifiers: MedGen C5193005, MONDO:0008285, OMIM 175510.
Gastrointestinal stromal tumor. Also called: Gastrointestinal stroma tumor; Gastrointestinal stromal tumor, somatic. Identifiers: Orphanet 44890, MedGen C0238198, MeSH D046152, MONDO:0011719, OMIM 606764, HP:0100723.

Allele frequency attached by ClinVar (database versions not stated): gnomAD exomes below 0.00001.
gnomAD v4.1: 1 of 1,587,244 alleles (0.000063%); highest among the groups gnomAD compares: Non-Finnish European, 0.000087%; no homozygotes.

Submissions (2):

Myriad Genetics, Inc.
Classification: Benign for Polyps, multiple and recurrent inflammatory fibroid, gastrointestinal. Last evaluated: 2026-06-17. Review status: criteria provided, single submitter. Criteria: Myriad Autosomal Dominant, Autosomal Recessive and X-Linked Classification Criteria (2023). Collection method: clinical testing. Allele origin: unknown.
Comment: This variant is considered benign. This variant is a silent/synonymous amino acid change and it is not expected to impact splicing.

Labcorp Genetics (formerly Invitae), Labcorp
Classification: Likely benign for Gastrointestinal stromal tumor. Last evaluated: 2025-07-30. Review status: criteria provided, single submitter. Criteria: Invitae Variant Classification Sherloc (09022015). Collection method: clinical testing. Allele origin: germline.